The following is an entry in ClinVar:

ClinVar aggregate classification (germline): Uncertain significance (1 of 4 stars; one submission).

Conditions:
RASopathy. Also called: Noonan spectrum disorder; rasopathies. Identifiers: Orphanet 536391, MedGen C5555857, MONDO:0021060.

Allele frequency attached by ClinVar (database versions not stated): gnomAD exomes below 0.00001; gnomAD 0.00001.
gnomAD v4.1: 6 of 1,611,872 alleles (0.00037%); highest among the groups gnomAD compares: Non-Finnish European, 0.00051%; no homozygotes.

Submission:

Labcorp Genetics (formerly Invitae), Labcorp
Classification: Uncertain significance for RASopathy. Last evaluated: 2023-05-05. Review status: criteria provided, single submitter. Criteria: Invitae Variant Classification Sherloc (09022015). Collection method: clinical testing. Allele origin: germline.
Comment: This variant has not been reported in the literature in individuals affected with BRAF-related conditions. This variant is not present in population databases (gnomAD no frequency). This sequence change replaces valine, which is neutral and non-polar, with leucine, which is neutral and non-polar, at codon 197 of the BRAF protein (p.Val197Leu). Advanced modeling of protein sequence and biophysical properties (such as structural, functional, and spatial information, amino acid conservation, physicochemical variation, residue mobility, and thermodynamic stability) performed at Invitae indicates that this missense variant is expected to disrupt BRAF protein function. In summary, the available evidence is currently insufficient to determine the role of this variant in disease. Therefore, it has been classified as a Variant of Uncertain Significance.

NM_004333.6(BRAF):c.589G>C (p.Val197Leu)

Gene: BRAF (B-Raf proto-oncogene, serine/threonine kinase; minus strand). Cytogenetic location: 7q34.
Variant type: single nucleotide variant.
Coding change: c.589G>C on transcript NM_004333.6 (MANE Select); coding-DNA position 589, G replaced by C.
Protein change: p.Val197Leu; replaces valine 197 with leucine.
Molecular consequence: missense variant.
Genome position (GRCh38, 1-based): chr7:140,808,911, C>G on the plus strand (G>C on the coding strand, the complement: BRAF is on the minus strand). VCF-style: chr7-140808911-C-G. GRCh37 (hg19) VCF-style: chr7-140508711-C-G.
Other names: c.589G>C, p.Val197Leu (NM_001378469.1, NM_001378471.1, NM_001378474.1 and 5 more transcripts); c.487G>C, p.Val163Leu (NM_001378470.1); c.433G>C, p.Val145Leu (NM_001378472.1, NM_001378473.1); c.325G>C, p.Val109Leu (NM_001378475.1); short protein forms V109L, V145L, V163L, V197L.
Identifiers: ClinVar variation 2905533 (VCV002905533.3), dbSNP rs1803935725, ClinGen allele CA369591516.